The following is an entry in ClinVar:

ClinVar aggregate classification (germline): Likely pathogenic (1 of 4 stars; one submission).

Conditions:
Classic homocystinuria. Also called: Homocystinuria due to Cystathionine Beta-Synthase Deficiency; HOMOCYSTINURIA WITH OR WITHOUT RESPONSE TO PYRIDOXINE; Homocystinuria due to CBS deficiency; Cystathionine beta-synthase deficiency; CBS deficiency. Identifiers: Orphanet 394, MedGen C0751202, MONDO:0009352, OMIM 236200.

Submission:

Neuberg Centre For Genomic Medicine, NCGM
Classification: Likely pathogenic for Classic homocystinuria. Last evaluated: 2023-02-14. Review status: criteria provided, single submitter. Criteria: ACMG Guidelines, 2015. Collection method: clinical testing. Allele origin: germline. Inheritance: Autosomal recessive inheritance. Affected: yes.
Comment: The missense variant c.1036T>C (p.Cys346Arg) which is located in a mutational hot spot in the CBS gene has not been reported previously as a pathogenic variant nor as a benign variant, to our knowledge. This variant is novel (not in any individuals) in gnomAD Exomes and 1000 Genomes. The amino acid Cysteine at position 346 is changed to an Arginine changing protein sequence and it might alter its composition and physico-chemical properties. The variant is predicted as damaging by SIFT. The amino acid change p.Cys346Arg in CBS is predicted as conserved by GERP++ and PhyloP across 100 vertebrates. For these reasons, this variant has been classified as Likely Pathogenic.

NM_000071.3(CBS):c.1036T>C (p.Cys346Arg)

Gene: CBS (cystathionine beta-synthase; minus strand). Cytogenetic location: 21q22.3.
Variant type: single nucleotide variant.
Coding change: c.1036T>C on transcript NM_000071.3 (MANE Select); coding-DNA position 1036, T replaced by C.
Protein change: p.Cys346Arg; replaces cysteine 346 with arginine.
Molecular consequence: missense variant.
Genome position (GRCh38, 1-based): chr21:43,062,314, A>G on the plus strand (T>C on the coding strand, the complement: CBS is on the minus strand). VCF-style: chr21-43062314-A-G. GRCh37 (hg19) VCF-style: chr21-44482424-A-G.
Other names: c.1036T>C, p.Cys346Arg (NM_001178008.3, NM_001178009.3, NM_001320298.2); c.721T>C, p.Cys241Arg (NM_001321072.1); short protein forms C241R, C346R.
Identifiers: ClinVar variation 2671777 (VCV002671777.1), dbSNP rs2517424268, ClinGen allele CA410599740.
Genomic context (GRCh38, chr21:43,062,314, plus strand): 5'-CAGTGCCCCCTAGCCATCTCTGCCTTCCCCATACCCCCGTGCCCGCCACCCACTCACCGC[A>G]CAGCAGCCCCTCTTGCGCGATCAGCATGCGGGCAAAGGTGAACGCCTCCTCATCGTTGCT-3'
Protein context (NP_000062.1, residues 336-356): RMLIAQEGLL[Cys346Arg]GGSAGSTVAV